The following is an entry in ClinVar:

NM_020461.4(TUBGCP6):c.3422G>A (p.Ser1141Asn)

Gene: TUBGCP6 (tubulin gamma complex component 6; minus strand). Cytogenetic location: 22q13.33.
Variant type: single nucleotide variant.
Coding change: c.3422G>A on transcript NM_020461.4 (MANE Select); coding-DNA position 3422, G replaced by A.
Protein change: p.Ser1141Asn; replaces serine 1141 with asparagine.
Molecular consequence: missense variant.
Genome position (GRCh38, 1-based): chr22:50,220,937, C>T on the plus strand (G>A on the coding strand, the complement: TUBGCP6 is on the minus strand). VCF-style: chr22-50220937-C-T. GRCh37 (hg19) VCF-style: chr22-50659366-C-T.
Other names: short protein forms S1141N.
Identifiers: ClinVar variation 1015926 (VCV001015926.8), dbSNP rs752411815, ClinGen allele CA10307953.

ClinVar aggregate classification (germline): Uncertain significance (1 of 4 stars; one submission).

Allele frequency attached by ClinVar (database versions not stated): TOPMed 0.00003; gnomAD 0.00008 and 0.00009.

Submission:

Labcorp Genetics (formerly Invitae), Labcorp
Classification: Uncertain significance. Last evaluated: 2025-06-09. Review status: criteria provided, single submitter. Criteria: Invitae Variant Classification Sherloc (09022015). Collection method: clinical testing. Allele origin: germline.
Comment: This sequence change replaces serine, which is neutral and polar, with asparagine, which is neutral and polar, at codon 1141 of the TUBGCP6 protein (p.Ser1141Asn). This variant is present in population databases (rs752411815, gnomAD 0.009%). This variant has not been reported in the literature in individuals affected with TUBGCP6-related conditions. ClinVar contains an entry for this variant (Variation ID: 1015926). An algorithm developed to predict the effect of missense changes on protein structure and function outputs the following: PolyPhen-2: "Not Available". The asparagine amino acid residue is found in multiple mammalian species, which suggests that this missense change does not adversely affect protein function. In summary, the available evidence is currently insufficient to determine the role of this variant in disease. Therefore, it has been classified as a Variant of Uncertain Significance.